The following is an entry in ClinVar:

NM_014946.4(SPAST):c.1568G>A (p.Cys523Tyr)

Gene: SPAST (spastin; plus strand). Cytogenetic location: 2p22.3.
Variant type: single nucleotide variant.
Coding change: c.1568G>A on transcript NM_014946.4 (MANE Select); coding-DNA position 1568, G replaced by A.
Protein change: p.Cys523Tyr; replaces cysteine 523 with tyrosine.
Molecular consequence: missense variant.
Genome position (GRCh38, 1-based): chr2:32,143,367, G>A. VCF-style: chr2-32143367-G-A. GRCh37 (hg19) VCF-style: chr2-32368436-G-A.
Other names: p.Cys523Tyr; c.1565G>A, p.Cys522Tyr (NM_001363823.2); c.1469G>A, p.Cys490Tyr (NM_001363875.2); c.1472G>A, p.Cys491Tyr (NM_001377959.1, NM_199436.2); short protein forms C490Y, C491Y, C522Y, C523Y.
Identifiers: ClinVar variation 3895917 (VCV003895917.2).

ClinVar aggregate classification (germline): Uncertain significance. Review status: criteria provided, multiple submitters, no conflicts (2 of 4 stars). 2 submissions from 2 submitters: Uncertain significance (2). Last evaluated 2025-11-23.

gnomAD v4.1: 3 of 1,607,794 alleles (0.00019%); highest among the groups gnomAD compares: Non-Finnish European, 0.00026%; no homozygotes.

Submissions (2):

Mayo Clinic Laboratories, Mayo Clinic
Classification: Uncertain significance. Last evaluated: 2025-11-23. Review status: criteria provided, single submitter. Criteria: ACMG Guidelines, 2015. Collection method: clinical testing. Allele origin: germline. Observed: 1 variant allele.
Comment: PM2_supporting

Women's Health and Genetics/Laboratory Corporation of America, LabCorp
Classification: Uncertain significance. Last evaluated: 2025-03-26. Review status: criteria provided, single submitter. Criteria: LabCorp Variant Classification Summary - May 2015. Collection method: clinical testing. Allele origin: germline.
Comment: Variant summary: SPAST c.1568G>A (p.Cys523Tyr) results in a non-conservative amino acid change in the encoded protein sequence. Four of five in-silico tools predict a damaging effect of the variant on protein function. The variant was absent in 249726 control chromosomes. The available data on variant occurrences in the general population are insufficient to allow any conclusion about variant significance. To our knowledge, no occurrence of c.1568G>A in individuals affected with Spastic Paraplegia 4, Autosomal Dominant and no experimental evidence demonstrating its impact on protein function have been reported. No submitters have cited clinical-significance assessments for this variant to ClinVar. Based on the evidence outlined above, the variant was classified as uncertain significance.